The following is an entry in ClinVar:

ClinVar aggregate classification (germline): Conflicting classifications of pathogenicity. Review status: criteria provided, conflicting classifications (1 of 4 stars). 2 submissions from 2 submitters: Uncertain significance (1); Likely benign (1). Last evaluated 2025-06-03.

Conditions:
Inborn genetic diseases. Identifiers: MedGen C0950123, MeSH D030342.

Submissions (2):

Ambry Genetics
Classification: Likely benign for Inborn genetic diseases. Last evaluated: 2025-06-03. Review status: criteria provided, single submitter. Criteria: Ambry Variant Classification Scheme 2023. Collection method: clinical testing. Allele origin: germline.

Labcorp Genetics (formerly Invitae), Labcorp
Classification: Uncertain significance. Last evaluated: 2025-03-24. Review status: criteria provided, single submitter. Criteria: Invitae Variant Classification Sherloc (09022015). Collection method: clinical testing. Allele origin: germline.
Comment: This sequence change replaces histidine, which is basic and polar, with glutamine, which is neutral and polar, at codon 193 of the MAFB protein (p.His193Gln). This variant is present in population databases (no rsID available, gnomAD 0.008%). This variant has not been reported in the literature in individuals affected with MAFB-related conditions. Invitae Evidence Modeling of protein sequence and biophysical properties (such as structural, functional, and spatial information, amino acid conservation, physicochemical variation, residue mobility, and thermodynamic stability) indicates that this missense variant is not expected to disrupt MAFB protein function with a negative predictive value of 95%. In summary, the available evidence is currently insufficient to determine the role of this variant in disease. Therefore, it has been classified as a Variant of Uncertain Significance.

NM_005461.5(MAFB):c.579C>G (p.His193Gln)

Gene: MAFB (MAF bZIP transcription factor B; minus strand). Cytogenetic location: 20q12.
Variant type: single nucleotide variant.
Coding change: c.579C>G on transcript NM_005461.5 (MANE Select); coding-DNA position 579, C replaced by G.
Protein change: p.His193Gln; replaces histidine 193 with glutamine.
Molecular consequence: missense variant.
Genome position (GRCh38, 1-based): chr20:40,688,272, G>C on the plus strand (C>G on the coding strand, the complement: MAFB is on the minus strand). VCF-style: chr20-40688272-G-C. GRCh37 (hg19) VCF-style: chr20-39316912-G-C.
Other names: short protein forms H193Q.
Identifiers: ClinVar variation 4050488 (VCV004050488.2).
Genomic context (GRCh38, chr20:40,688,272, plus strand): 5'-GTCGGAGAAGCGGTCCTCCACGCTGCCGTTGCCGCCCGCCGCCGTCGCCGAGGCCGTCGC[G>C]TGCGGCCCGGGCCCGGGGTGGCTAGTGGGCAGCTGTTGCGCCGGGCTAGCGGCGCTGGAC-3'
Protein context (NP_005452.2, residues 183-203): LPTSHPGPGP[His193Gln]ATASATAAGG